The following is an entry in ClinVar:

ClinVar aggregate classification (germline): Likely benign (0 of 4 stars; one submission).

Conditions:
MTNR1B-related disorder. Also called: MTNR1B-related condition.

Allele frequency attached by ClinVar (database versions not stated): ESP Exome Variant Server 0.00008; 1000 Genomes Project 30x 0.00016; 1000 Genomes Project 0.00020; ExAC 0.00046.
gnomAD v4.1: 368 of 1,614,216 alleles (0.023%); highest among the groups gnomAD compares: South Asian, 0.39%; 6 homozygotes.

Submission:

PreventionGenetics, part of Exact Sciences
Classification: Likely benign for MTNR1B-related condition. Last evaluated: 2020-02-14. Review status: no assertion criteria provided. Collection method: clinical testing. Allele origin: germline.
Comment: This variant is classified as likely benign based on ACMG/AMP sequence variant interpretation guidelines (Richards et al. 2015 PMID: 25741868, with internal and published modifications).

NM_005959.5(MTNR1B):c.593C>A (p.Thr198Asn)

Gene: MTNR1B (melatonin receptor 1B; plus strand). Cytogenetic location: 11q14.3.
Variant type: single nucleotide variant.
Coding change: c.593C>A on transcript NM_005959.5 (MANE Select); coding-DNA position 593, C replaced by A.
Protein change: p.Thr198Asn; replaces threonine 198 with asparagine.
Molecular consequence: missense variant.
Genome position (GRCh38, 1-based): chr11:92,981,816, C>A. VCF-style: chr11-92981816-C-A. GRCh37 (hg19) VCF-style: chr11-92714982-C-A.
Other names: short protein forms T198N.
Identifiers: ClinVar variation 3051832 (VCV003051832.2), dbSNP rs371123895, ClinGen allele CA6229043.